The following is an entry in ClinVar:

NM_004281.4(BAG3):c.72del (p.Gly25fs)

Gene: BAG3 (BAG cochaperone 3; plus strand). Cytogenetic location: 10q26.11.
Variant type: Deletion.
Coding change: c.72del on transcript NM_004281.4 (MANE Select); coding-DNA position 72, one base deleted (C; older notation c.72delC).
Protein change: p.Gly25fs; shifts the reading frame from glycine 25.
Molecular consequence: frameshift variant.
Genome position (GRCh38, 1-based): chr10:119,651,747, C deleted; the last of 6 consecutive C bases (chr10:119,651,742-119,651,747); deleting any one gives the same sequence. VCF-style (leftmost placement, unchanged base first): chr10-119651741-GC-G. GRCh37 (hg19) VCF-style: chr10-121411253-GC-G.
Other names: c.72delC (NM_004281.3); short protein forms G25fs.
Identifiers: ClinVar variation 162769 (VCV000162769.13), dbSNP rs727502897, ClinGen allele CA273126.
Genomic context (GRCh38, chr10:119,651,741, plus strand): 5'-CGCCGCCACCCACTCGCCCATGATGCAGGTGGCGTCCGGCAACGGTGACCGCGACCCTTT[GC>G]CCCCCGGATGGGAGATCAAGATCGACCCGCAGACCGGCTGGCCCTTCTTCGTGGACCACA-3'

ClinVar aggregate classification (germline): Pathogenic/Likely pathogenic. Review status: criteria provided, multiple submitters, no conflicts (2 of 4 stars). 4 submissions from 4 submitters: Pathogenic (1); Likely pathogenic (1). 2 of the submissions do not count toward it. Last evaluated 2024-09-19.

Conditions:
Dilated cardiomyopathy 1HH (CMD1HH). Identifiers: Orphanet 154, MedGen C3151293, MONDO:0013479, OMIM 613881.
Myofibrillar myopathy 6. Identifiers: Orphanet 199340, MedGen C2751831, MONDO:0013061, OMIM 612954.
Primary dilated cardiomyopathy (DCM). Also called: Dilated Cardiomyopathy. Identifiers: Orphanet 217604, MedGen C0007193, MeSH D002311, MONDO:0005021, HP:0001644. Inheritance: Various modes of inheritance.

Submissions (4):

Labcorp Genetics (formerly Invitae), Labcorp
Classification: Pathogenic for Dilated cardiomyopathy 1HH; Myofibrillar myopathy 6. Last evaluated: 2024-09-19. Review status: criteria provided, single submitter. Criteria: Invitae Variant Classification Sherloc (09022015). Collection method: clinical testing. Allele origin: germline.
Comment: This sequence change creates a premature translational stop signal (p.Gly25Aspfs*186) in the BAG3 gene. It is expected to result in an absent or disrupted protein product. Loss-of-function variants in BAG3 are known to be pathogenic (PMID: 21353195, 25008357). The frequency data for this variant in the population databases is considered unreliable, as metrics indicate poor data quality at this position in the gnomAD database. This premature translational stop signal has been observed in individual(s) with dilated cardiomyopathy (PMID: 30847666). ClinVar contains an entry for this variant (Variation ID: 162769). For these reasons, this variant has been classified as Pathogenic.

Laboratory for Molecular Medicine, Mass General Brigham Personalized Medicine
Classification: Likely pathogenic for Primary dilated cardiomyopathy. Last evaluated: 2014-02-06. Review status: criteria provided, single submitter. Criteria: LMM Criteria. Collection method: clinical testing. Allele origin: germline. Inheritance: Autosomal dominant inheritance. Observed: 1 variant allele.
Comment: The Gly25fs variant in BAG3 has not been reported in individuals with cardiomyop athy or in large population studies. This frameshift variant is predicted to alt er the protein?s amino acid sequence beginning at position 25 and lead to a prem ature termination codon 186 amino acids downstream. This alteration is then pred icted to lead to a truncated or absent protein. Variants in BAG3 are associated with DCM (Arimura 2011, Norton 2011, Villard 2011) and myofibrillar myopathy (Se lcen 2009, Lee 2011) and loss of functions variants have been reported to be dis ease causing (HGMD database). In summary, this variant is likely pathogenic, tho ugh additional studies are required to fully establish its clinical significance .

Clinical Genetics, Academic Medical Center
Classification: Pathogenic. Review status: no assertion criteria provided. Collection method: clinical testing. Allele origin: germline. Affected: yes. Study: VKGL Data-share Consensus. Not counted in ClinVar's aggregate classification.

Diagnostic Laboratory, Department of Genetics, University Medical Center Groningen
Classification: Pathogenic. Review status: no assertion criteria provided. Collection method: clinical testing. Allele origin: germline. Affected: yes. Study: VKGL Data-share Consensus. Not counted in ClinVar's aggregate classification.

Literature cited by the submitters: PubMed 21353195 (cited by Labcorp Genetics (formerly Invitae), Labcorp); PubMed 25008357 (cited by Labcorp Genetics (formerly Invitae), Labcorp); PubMed 30847666 (cited by Labcorp Genetics (formerly Invitae), Labcorp).